The following is an entry in ClinVar:

NM_001267550.2(TTN):c.69331A>G (p.Ile23111Val)

Genes: TTN (titin; minus strand), TTN-AS1 (TTN antisense RNA 1; plus strand). Cytogenetic location: 2q31.2.
Variant type: single nucleotide variant.
Coding change: c.69331A>G on transcript NM_001267550.2 (MANE Select); coding-DNA position 69331, A replaced by G.
Protein change: p.Ile23111Val; replaces isoleucine 23111 with valine.
Molecular consequence: missense variant.
Genome position (GRCh38, 1-based): chr2:178,577,004, T>C on the plus strand (A>G on the coding strand, the complement: TTN is on the minus strand). VCF-style: chr2-178577004-T-C. GRCh37 (hg19) VCF-style: chr2-179441731-T-C.
Other names: c.64408A>G, p.Ile21470Val (NM_001256850.1); c.42136A>G, p.Ile14046Val (NM_003319.4); c.61627A>G, p.Ile20543Val (NM_133378.4); c.42511A>G, p.Ile14171Val (NM_133432.3); c.42712A>G, p.Ile14238Val (NM_133437.4); short protein forms I14046V, I14171V, I14238V, I20543V, I21470V, I23111V.
Identifiers: ClinVar variation 1683560 (VCV001683560.2), dbSNP rs1398776954, ClinGen allele CA349669058.

ClinVar aggregate classification (germline): Uncertain significance (1 of 4 stars; one submission).

Conditions:
Tibial muscular dystrophy (TMD). Also called: Udd Distal Myopathy – Tibial Muscular Dystrophy; UDD MYOPATHY; Tibial muscular dystrophy, tardive. Identifiers: Orphanet 609, MedGen C1838244, MONDO:0010870, OMIM 600334.
Autosomal recessive limb-girdle muscular dystrophy type 2J (LGMDR10). Also called: Limb-girdle muscular dystrophy, type 2J; MUSCULAR DYSTROPHY, LIMB-GIRDLE, AUTOSOMAL RECESSIVE 10. Identifiers: Orphanet 140922, MedGen C1837342, MONDO:0012127, OMIM 608807.

Allele frequency attached by ClinVar (database versions not stated): gnomAD exomes 0.00001.
gnomAD v4.1: 8 of 1,613,486 alleles (0.0005%); highest among the groups gnomAD compares: Non-Finnish European, 0.00068%; no homozygotes.

Submission:

Laboratorio de Genetica e Diagnostico Molecular, Hospital Israelita Albert Einstein
Classification: Uncertain significance for Autosomal recessive limb-girdle muscular dystrophy type 2J; Tibial muscular dystrophy. Last evaluated: 2021-12-28. Review status: criteria provided, single submitter. Criteria: ACMG Guidelines, 2015. Collection method: clinical testing. Allele origin: germline. Affected: yes.
Comment: ACMG classification criteria: PM2 moderate, BP4 supporting